The following is an entry in ClinVar:

NC_000017.10:g.(?_48272388)_(48278874_?)del

Gene: COL1A1 (collagen type I alpha 1 chain; minus strand). Cytogenetic location: 17q21.33.
Variant type: Deletion.
Identifiers: ClinVar variation 1359506 (VCV001359506.5).

ClinVar aggregate classification (germline): Pathogenic (1 of 4 stars; one submission).

Conditions:
Osteogenesis imperfecta type I (OI1). Also called: OI, TYPE I; OSTEOGENESIS IMPERFECTA TARDA; OSTEOGENESIS IMPERFECTA WITH BLUE SCLERAE; Osteogenesis imperfecta type 1; Lobstein disease; Classic Non-deforming Osteogenesis Imperfecta with Blue Sclerae. Identifiers: Orphanet 216796, Orphanet 666, MedGen C0023931, MONDO:0008146, OMIM 166200. Disease mechanism: loss of function.

Submission:

Labcorp Genetics (formerly Invitae), Labcorp
Classification: Pathogenic for Osteogenesis imperfecta type I. Last evaluated: 2021-09-21. Review status: criteria provided, single submitter. Criteria: Invitae Variant Classification Sherloc (09022015). Collection method: clinical testing. Allele origin: germline.
Comment: For these reasons, this variant has been classified as Pathogenic. A similar copy number variant has been observed in individual(s) with osteogenesis imperfecta (Invitae). This variant is a gross deletion of the genomic region encompassing exon(s) 1-20 of the COL1A1 gene, which includes the initiator codon. This deletion extends beyond the assayed region for this gene and therefore may encompass additional genes. It is expected to result in an absent or disrupted protein product. Loss-of-function variants in COL1A1 are known to be pathogenic (PMID: 7942841, 9295084, 9443882).

Literature cited by the submitters: PubMed 7942841; PubMed 9295084; PubMed 9443882.